The following is an entry in ClinVar:

ClinVar aggregate classification (germline): Uncertain significance (1 of 4 stars; one submission).

Allele frequency attached by ClinVar (database versions not stated): ExAC 0.00001; gnomAD 0.00001; gnomAD exomes 0.00001; TOPMed 0.00001; 1000 Genomes Project 30x 0.00016; 1000 Genomes Project 0.00020.
gnomAD v4.1: 3 of 1,614,066 alleles (0.00019%); highest among the groups gnomAD compares: African/African-American, 0.0013%; no homozygotes.

Submission:

GeneDx
Classification: Uncertain significance. Last evaluated: 2022-01-27. Review status: criteria provided, single submitter. Criteria: GeneDx Variant Classification Process June 2021. Collection method: clinical testing. Allele origin: germline. Affected: yes.
Comment: Has not been previously published as pathogenic or benign to our knowledge; Not observed at significant frequency in large population cohorts (gnomAD); In silico analysis supports that this missense variant does not alter protein structure/function; Located in exon 38, which is reported as being expressed in a brain-specific transcript (Otto et al, 1991; Cunha et al, 2008; Wu et al, 2015)

NM_001148.6(ANK2):c.6541G>A (p.Asp2181Asn)

Gene: ANK2 (ankyrin 2; plus strand). Cytogenetic location: 4q26.
Variant type: single nucleotide variant.
Coding change: c.6541G>A on transcript NM_001148.6 (MANE Select); coding-DNA position 6541, G replaced by A.
Protein change: p.Asp2181Asn; replaces aspartic acid 2181 with asparagine.
Molecular consequence: missense variant. On other transcripts: intron variant (68).
Genome position (GRCh38, 1-based): chr4:113,355,159, G>A. VCF-style: chr4-113355159-G-A. GRCh37 (hg19) VCF-style: chr4-114276315-G-A.
Other names: c.6307G>A, p.Asp2103Asn (NM_001386142.1); c.2941G>A, p.Asp981Asn (NM_001386166.1); c.6682G>A, p.Asp2228Asn (NM_001386174.1); c.6658G>A, p.Asp2220Asn (NM_001386175.1); c.4411+4910G>A (NM_001386186.2, NM_001386148.2); c.4213+4910G>A (NM_001354269.3); c.4291+4910G>A (NM_001386187.2); c.4252+4910G>A (NM_001386147.1); and 35 more; short protein forms D2103N, D2181N, D2220N, D2228N, D981N.
Identifiers: ClinVar variation 1699641 (VCV001699641.2), dbSNP rs552900652, ClinGen allele CA3051429.